The following is an entry in ClinVar:

ClinVar aggregate classification (germline): Benign/Likely benign. Review status: criteria provided, multiple submitters, no conflicts (2 of 4 stars). 7 submissions from 7 submitters: Benign (3); Likely benign (2). 2 of the submissions do not count toward it. Last evaluated 2026-02-04.

Conditions:
ATP7A-related disorder. Also called: ATP7A-related condition.
Inborn genetic diseases. Identifiers: MedGen C0950123, MeSH D030342.
Menkes kinky-hair syndrome (MNK). Also called: Menkes Disease; Copper transport disease; Classic Menkes Disease. Identifiers: Orphanet 565, MedGen C0022716, MONDO:0010651, OMIM 309400.
Cutis laxa, X-linked (OHS). Also called: EDS IX; Occipital horn syndrome. Identifiers: Orphanet 198, MedGen C0268353, MONDO:0010572, OMIM 304150.
X-linked distal spinal muscular atrophy type 3. Also called: SPINAL MUSCULAR ATROPHY, DISTAL, X-LINKED RECESSIVE; ATP7A-Related Distal Motor Neuropathy; NEURONOPATHY, DISTAL HEREDITARY MOTOR, X-LINKED; NEUROPATHY, DISTAL HEREDITARY MOTOR, X-LINKED. Identifiers: Orphanet 139557, MedGen C1845359, MONDO:0010338, OMIM 300489.

Allele frequency attached by ClinVar (database versions not stated): ESP Exome Variant Server 0.00009; TOPMed 0.00013; gnomAD 0.00018; 1000 Genomes Project 30x 0.00042; 1000 Genomes Project 0.00053.
gnomAD v4.1: 535 of 1,209,953 alleles (0.044%); highest among the groups gnomAD compares: Non-Finnish European, 0.055%; no homozygotes.

Submissions (7):

Labcorp Genetics (formerly Invitae), Labcorp
Classification: Benign for X-linked distal spinal muscular atrophy type 3; Cutis laxa, X-linked; Menkes kinky-hair syndrome. Last evaluated: 2026-02-04. Review status: criteria provided, single submitter. Criteria: Invitae Variant Classification Sherloc (09022015). Collection method: clinical testing. Allele origin: germline.

Mayo Clinic Laboratories, Mayo Clinic
Classification: Benign. Last evaluated: 2024-12-11. Review status: criteria provided, single submitter. Criteria: ACMG Guidelines, 2015. Collection method: clinical testing. Allele origin: germline. Observed: 2 variant alleles.
Comment: BS1, BS2

Blueprint Genetics
Classification: Likely benign. Last evaluated: 2024-05-28. Review status: criteria provided, single submitter. Criteria: ACMG Guidelines, 2015. Collection method: clinical testing. Allele origin: germline.

GeneDx
Classification: Likely benign. Last evaluated: 2020-10-05. Review status: criteria provided, single submitter. Criteria: GeneDx Variant Classification Process June 2021. Collection method: clinical testing. Allele origin: germline. Affected: yes.
Comment: This variant is associated with the following publications: (PMID: 33151932)

Ambry Genetics
Classification: Benign for Inborn genetic diseases. Last evaluated: 2017-06-15. Review status: criteria provided, single submitter. Criteria: Ambry Variant Classification Scheme 2023. Collection method: clinical testing. Allele origin: germline.

PreventionGenetics, part of Exact Sciences
Classification: Likely benign for ATP7A-related condition. Last evaluated: 2021-04-01. Review status: no assertion criteria provided. Collection method: clinical testing. Allele origin: germline. Not counted in ClinVar's aggregate classification.
Comment: This variant is classified as likely benign based on ACMG/AMP sequence variant interpretation guidelines (Richards et al. 2015 PMID: 25741868, with internal and published modifications).

Natera, Inc.
Classification: Uncertain significance for Menkes kinky hair syndrome. Last evaluated: 2020-01-24. Review status: no assertion criteria provided. Collection method: clinical testing. Allele origin: germline. Not counted in ClinVar's aggregate classification.

Literature cited by the submitters: PubMed 33151932 (cited by Mayo Clinic Laboratories, Mayo Clinic).

NM_000052.7(ATP7A):c.3883C>T (p.Arg1295Trp)

Gene: ATP7A (ATPase copper transporting alpha; plus strand). Cytogenetic location: Xq21.1.
Variant type: single nucleotide variant.
Coding change: c.3883C>T on transcript NM_000052.7 (MANE Select); coding-DNA position 3883, C replaced by T.
Protein change: p.Arg1295Trp; replaces arginine 1295 with tryptophan.
Molecular consequence: missense variant. On other transcripts: non-coding transcript variant (1).
Genome position (GRCh38, 1-based): chrX:78,042,666, C>T. VCF-style: chrX-78042666-C-T. GRCh37 (hg19) VCF-style: chrX-77298164-C-T.
Other names: p.Arg1295Trp; c.3649C>T, p.Arg1217Trp (NM_001282224.2); short protein forms R1295W, R1217W.
Identifiers: ClinVar variation 245875 (VCV000245875.24), dbSNP rs372489000, ClinGen allele CA10459475.